The following is an entry in ClinVar:

ClinVar aggregate classification (germline): Uncertain significance (1 of 4 stars; one submission).

Conditions:
Duchenne muscular dystrophy (DMD). Also called: MUSCULAR DYSTROPHY, PSEUDOHYPERTROPHIC PROGRESSIVE, DUCHENNE TYPE; Duchenne Muscular Dystrophy (DMD). Identifiers: Orphanet 98896, MedGen C0013264, MONDO:0010679, OMIM 310200.

Submission:

Labcorp Genetics (formerly Invitae), Labcorp
Classification: Uncertain significance for Duchenne muscular dystrophy. Last evaluated: 2025-09-24. Review status: criteria provided, single submitter. Criteria: Invitae Variant Classification Sherloc (09022015). Collection method: clinical testing. Allele origin: germline.
Comment: This sequence change replaces valine, which is neutral and non-polar, with methionine, which is neutral and non-polar, at codon 582 of the DMD protein (p.Val582Met). This variant is not present in population databases (gnomAD no frequency). This variant has not been reported in the literature in individuals affected with DMD-related conditions. ClinVar contains an entry for this variant (Variation ID: 3634862). Invitae Evidence Modeling of protein sequence and biophysical properties (such as structural, functional, and spatial information, amino acid conservation, physicochemical variation, residue mobility, and thermodynamic stability) indicates that this missense variant is not expected to disrupt DMD protein function with a negative predictive value of 95%. In summary, the available evidence is currently insufficient to determine the role of this variant in disease. Therefore, it has been classified as a Variant of Uncertain Significance.

NM_004006.3(DMD):c.1744G>A (p.Val582Met)

Gene: DMD (dystrophin; minus strand). Cytogenetic location: Xp21.1.
Variant type: single nucleotide variant.
Coding change: c.1744G>A on transcript NM_004006.3 (MANE Select); coding-DNA position 1744, G replaced by A.
Protein change: p.Val582Met; replaces valine 582 with methionine.
Molecular consequence: missense variant.
Genome position (GRCh38, 1-based): chrX:32,573,598, C>T on the plus strand (G>A on the coding strand, the complement: DMD is on the minus strand). VCF-style: chrX-32573598-C-T. GRCh37 (hg19) VCF-style: chrX-32591715-C-T.
Other names: c.1720G>A, p.Val574Met (NM_000109.4); c.1732G>A, p.Val578Met (NM_004009.3); c.1375G>A, p.Val459Met (NM_004010.3); short protein forms V459M, V574M, V578M, V582M.
Identifiers: ClinVar variation 3634862 (VCV003634862.2).